The following is an entry in ClinVar:

ClinVar aggregate classification (germline): Uncertain significance (1 of 4 stars; one submission).

Conditions:
Inborn genetic diseases. Identifiers: MedGen C0950123, MeSH D030342.

gnomAD v4.1: 7 of 1,613,364 alleles (0.00043%); highest among the groups gnomAD compares: Non-Finnish European, 0.00059%; no homozygotes.

Submission:

Ambry Genetics
Classification: Uncertain significance for Inborn genetic diseases. Last evaluated: 2025-11-05. Review status: criteria provided, single submitter. Criteria: Ambry Variant Classification Scheme 2023. Collection method: clinical testing. Allele origin: germline.
Comment: The p.S1354R variant (also known as c.4060A>C), located in coding exon 1 of the SAMD9 gene, results from an A to C substitution at nucleotide position 4060. The serine at codon 1354 is replaced by arginine, an amino acid with dissimilar properties. This amino acid position is conserved. In addition, this alteration is predicted to be tolerated by in silico analysis. Based on the available evidence, the clinical significance of this variant remains unclear.

NM_017654.4(SAMD9):c.4060A>C (p.Ser1354Arg)

Gene: SAMD9 (sterile alpha motif domain containing 9; minus strand). Cytogenetic location: 7q21.2.
Variant type: single nucleotide variant.
Coding change: c.4060A>C on transcript NM_017654.4 (MANE Select); coding-DNA position 4060, A replaced by C.
Protein change: p.Ser1354Arg; replaces serine 1354 with arginine.
Molecular consequence: missense variant.
Genome position (GRCh38, 1-based): chr7:93,102,038, T>G on the plus strand (A>C on the coding strand, the complement: SAMD9 is on the minus strand). VCF-style: chr7-93102038-T-G. GRCh37 (hg19) VCF-style: chr7-92731351-T-G.
Other names: c.4060A>C, p.Ser1354Arg (NM_001193307.2); short protein forms S1354R.
Identifiers: ClinVar variation 4629930 (VCV004629930.1).